The following is an entry in ClinVar:

NM_006494.4(ERF):c.486dup (p.Pro163fs)

Gene: ERF (ETS2 repressor factor; minus strand). Cytogenetic location: 19q13.2.
Variant type: Duplication.
Coding change: c.486dup on transcript NM_006494.4 (MANE Select); coding-DNA position 486, one base duplicated (A; older notation c.486dupA).
Protein change: p.Pro163fs; shifts the reading frame from proline 163.
Molecular consequence: frameshift variant.
Genome position (GRCh38, 1-based): chr19:42,249,626, T duplicated on the plus strand (A on the coding strand, the reverse complement: ERF is on the minus strand). VCF-style (leftmost placement, unchanged base first): chr19-42249625-G-GT. GRCh37 (hg19) VCF-style: chr19-42753777-G-GT.
Other names: c.261dup, p.Pro88fs (NM_001301035.2, NM_001308402.2, NM_001312656.2); short protein forms P163fs, P88fs.
Identifiers: ClinVar variation 3356163 (VCV003356163.1).

ClinVar aggregate classification (germline): Likely pathogenic (0 of 4 stars; one submission).

Conditions:
ERF-related disorder. Also called: ERF-related disorders; ERF-related condition.

Submission:

PreventionGenetics, part of Exact Sciences
Classification: Likely pathogenic for ERF-related condition. Last evaluated: 2024-07-04. Review status: no assertion criteria provided. Collection method: clinical testing. Allele origin: germline.
Comment: The ERF c.486dupA variant is predicted to result in a frameshift and premature protein termination (p.Pro163Thrfs*26). To our knowledge, this variant has not been reported in the literature or in a large population database, indicating this variant is rare. Frameshift variants in ERF are expected to be pathogenic. This variant is interpreted as likely pathogenic.